The following is an entry in ClinVar:

NM_005033.3(EXOSC9):c.727C>G (p.Leu243Val)

Gene: EXOSC9 (exosome component 9; plus strand). Cytogenetic location: 4q27.
Variant type: single nucleotide variant.
Coding change: c.727C>G on transcript NM_005033.3 (MANE Select); coding-DNA position 727, C replaced by G.
Protein change: p.Leu243Val; replaces leucine 243 with valine.
Molecular consequence: missense variant.
Genome position (GRCh38, 1-based): chr4:121,810,088, C>G. VCF-style: chr4-121810088-C-G. GRCh37 (hg19) VCF-style: chr4-122731243-C-G.
Other names: c.727C>G, p.Leu243Val (NM_001034194.2); short protein forms L243V.
Identifiers: ClinVar variation 1437918 (VCV001437918.5), dbSNP rs762229142, ClinGen allele CA3063501.
Genomic context (GRCh38, chr4:121,810,088, plus strand): 5'-ATTGCCATGAACAAACATCGAGAGATTTGTACTATCCAGTCCAGTGGTGGGATAATGCTA[C>G]TAAAAGATCAAGTTAGTGCTTTGATTAATGTCCCATTAATAATAGGTTGCTTCTCTTTAG-3'
Protein context (NP_005024.2, residues 233-253): TIQSSGGIML[Leu243Val]KDQVLRCSKI

ClinVar aggregate classification (germline): Uncertain significance (1 of 4 stars; one submission).

Allele frequency attached by ClinVar (database versions not stated): ExAC 0.00001; gnomAD exomes 0.00001 and 0.00005; TOPMed 0.00002; gnomAD 0.00003.
gnomAD v4.1: 85 of 1,613,388 alleles (0.0053%); highest among the groups gnomAD compares: Non-Finnish European, 0.0069%; no homozygotes.

Submission:

Labcorp Genetics (formerly Invitae), Labcorp
Classification: Uncertain significance. Last evaluated: 2022-07-19. Review status: criteria provided, single submitter. Criteria: Invitae Variant Classification Sherloc (09022015). Collection method: clinical testing. Allele origin: germline.
Comment: This sequence change replaces leucine, which is neutral and non-polar, with valine, which is neutral and non-polar, at codon 243 of the EXOSC9 protein (p.Leu243Val). This variant is present in population databases (rs762229142, gnomAD 0.003%). This variant has not been reported in the literature in individuals affected with EXOSC9-related conditions. ClinVar contains an entry for this variant (Variation ID: 1437918). Algorithms developed to predict the effect of missense changes on protein structure and function are either unavailable or do not agree on the potential impact of this missense change (SIFT: "Deleterious"; PolyPhen-2: "Benign"; Align-GVGD: "Class C25"). Algorithms developed to predict the effect of sequence changes on RNA splicing suggest that this variant may disrupt the consensus splice site. In summary, the available evidence is currently insufficient to determine the role of this variant in disease. Therefore, it has been classified as a Variant of Uncertain Significance.